The following is an entry in ClinVar:

ClinVar aggregate classification (germline): Pathogenic. Review status: criteria provided, multiple submitters, no conflicts (2 of 4 stars). 2 submissions from 2 submitters: Pathogenic (2). Last evaluated 2025-09-03.

Conditions:
Cardiomyopathy (CMYO). Also called: Cardiomyopathies. Identifiers: Orphanet 167848, MedGen C0878544, MONDO:0004994, HP:0001638. Inheritance: Various modes of inheritance.
Hypertrophic cardiomyopathy. Also called: HYPERTROPHIC MYOCARDIOPATHY. Identifiers: Orphanet 217569, MedGen C0007194, MeSH D002312, MONDO:0005045, HP:0001639.

Submissions (2):

Color Diagnostics, LLC DBA Color Health
Classification: Pathogenic for Cardiomyopathy. Last evaluated: 2025-09-03. Review status: criteria provided, single submitter. Criteria: ACMG Guidelines, 2015. Collection method: clinical testing. Allele origin: germline.
Comment: This variant deletes 4 nucleotides in exon 2 of the MYBPC3 gene, creating a frameshift and premature translation stop signal. This variant is expected to result in an absent or non-functional protein product. To our knowledge, this variant has not been reported in individuals affected with MYBPC3-related disorders in the literature. This variant has not been identified in the general population by the Genome Aggregation Database (gnomAD). Loss of MYBPC3 function is a known mechanism of disease. Based on the available evidence, this variant is classified as Pathogenic.

Labcorp Genetics (formerly Invitae), Labcorp
Classification: Pathogenic for Hypertrophic cardiomyopathy. Last evaluated: 2024-12-02. Review status: criteria provided, single submitter. Criteria: Invitae Variant Classification Sherloc (09022015). Collection method: clinical testing. Allele origin: germline.
Comment: This sequence change creates a premature translational stop signal (p.Trp42Serfs*24) in the MYBPC3 gene. It is expected to result in an absent or disrupted protein product. Loss-of-function variants in MYBPC3 are known to be pathogenic (PMID: 19574547). This variant is not present in population databases (gnomAD no frequency). This variant has not been reported in the literature in individuals affected with MYBPC3-related conditions. ClinVar contains an entry for this variant (Variation ID: 2912031). For these reasons, this variant has been classified as Pathogenic.

Literature cited by the submitters: PubMed 19574547 (cited by Labcorp Genetics (formerly Invitae), Labcorp).

NM_000256.3(MYBPC3):c.124_127del (p.Trp42fs)

Gene: MYBPC3 (myosin binding protein C3; minus strand). Cytogenetic location: 11p11.2.
Variant type: Deletion.
Coding change: c.124_127del on transcript NM_000256.3 (MANE Select); coding-DNA positions 124 to 127, 4 bases deleted (TGGC; older notation c.124_127delTGGC).
Protein change: p.Trp42fs; shifts the reading frame from tryptophan 42.
Molecular consequence: frameshift variant.
Genome position (GRCh38, 1-based): chr11:47,351,404-47,351,407, GCCA deleted on the plus strand (TGGC on the coding strand, the reverse complement: MYBPC3 is on the minus strand); deleting any 4 consecutive bases within chr11:47,351,404-47,351,409 gives the same sequence; the c. name uses the placement nearest the transcript's 3' end. VCF-style (leftmost placement, unchanged base first): chr11-47351403-TGCCA-T. GRCh37 (hg19) VCF-style: chr11-47372954-TGCCA-T.
Other names: short protein forms W42fs.
Identifiers: ClinVar variation 2912031 (VCV002912031.4), dbSNP rs730880659, ClinGen allele CA009973.
Genomic context (GRCh38, chr11:47,351,403, plus strand): 5'-CGTGTGCCCTCTGTGGCCAGGCCGTACTTGTTGCTGGCGCTGATGTCACTGCCTCCGCGC[TGCCA>T]GCGCACCTTCACTCCTGCCCGCTCTGTCTCGGCCTCGAACACGGCAGGGCTGCCTGCGGC-3'